The following is an entry in ClinVar:

NM_022464.5(SIL1):c.1115G>A (p.Gly372Asp)

Gene: SIL1 (SIL1 nucleotide exchange factor; minus strand). Cytogenetic location: 5q31.2.
Variant type: single nucleotide variant.
Coding change: c.1115G>A on transcript NM_022464.5 (MANE Select); coding-DNA position 1115, G replaced by A.
Protein change: p.Gly372Asp; replaces glycine 372 with aspartic acid.
Molecular consequence: missense variant.
Genome position (GRCh38, 1-based): chr5:138,947,388, C>T on the plus strand (G>A on the coding strand, the complement: SIL1 is on the minus strand). VCF-style: chr5-138947388-C-T. GRCh37 (hg19) VCF-style: chr5-138283077-C-T.
Other names: c.1115G>A, p.Gly372Asp (NM_001037633.2); short protein forms G372D.
Identifiers: ClinVar variation 167688 (VCV000167688.7), dbSNP rs727504153, ClinGen allele CA234935.

ClinVar aggregate classification (germline): Uncertain significance. Review status: criteria provided, multiple submitters, no conflicts (2 of 4 stars). 2 submissions from 2 submitters: Uncertain significance (2). Last evaluated 2023-12-09.

Conditions:
Marinesco-Sjögren syndrome (MSS). Also called: Marinesco-SjÃ¶gren syndrome; Marinesco-Sjogren Syndrome. Identifiers: Orphanet 559, MedGen C0024814, MONDO:0009567, OMIM 248800.

Allele frequency attached by ClinVar (database versions not stated): gnomAD 0.00001 and 0.00002; TOPMed 0.00003; gnomAD exomes 0.00007 and 0.00005; ExAC 0.00008.
gnomAD v4.1: 95 of 1,613,696 alleles (0.0059%); highest among the groups gnomAD compares: East Asian, 0.18%; 1 homozygote.

Submissions (2):

Labcorp Genetics (formerly Invitae), Labcorp
Classification: Uncertain significance for Marinesco-Sjögren syndrome. Last evaluated: 2023-12-09. Review status: criteria provided, single submitter. Criteria: Invitae Variant Classification Sherloc (09022015). Collection method: clinical testing. Allele origin: germline.
Comment: This sequence change replaces glycine, which is neutral and non-polar, with aspartic acid, which is acidic and polar, at codon 372 of the SIL1 protein (p.Gly372Asp). This variant is present in population databases (rs727504153, gnomAD 0.06%). This variant has not been reported in the literature in individuals affected with SIL1-related conditions. ClinVar contains an entry for this variant (Variation ID: 167688). Advanced modeling of protein sequence and biophysical properties (such as structural, functional, and spatial information, amino acid conservation, physicochemical variation, residue mobility, and thermodynamic stability) performed at Invitae indicates that this missense variant is not expected to disrupt SIL1 protein function with a negative predictive value of 80%. In summary, the available evidence is currently insufficient to determine the role of this variant in disease. Therefore, it has been classified as a Variant of Uncertain Significance.

Eurofins Ntd Llc (ga)
Classification: Uncertain significance. Last evaluated: 2013-12-04. Review status: criteria provided, single submitter. Criteria: EGL Classification Definitions 2015. Collection method: clinical testing. Allele origin: germline. Observed: 2 variant alleles, 2 heterozygotes.